The following is an entry in ClinVar:

NM_152722.5(HEPACAM):c.382G>A (p.Asp128Asn)

Gene: HEPACAM (hepatic and glial cell adhesion molecule; minus strand). Cytogenetic location: 11q24.2.
Variant type: single nucleotide variant.
Coding change: c.382G>A on transcript NM_152722.5 (MANE Select); coding-DNA position 382, G replaced by A.
Protein change: p.Asp128Asn; replaces aspartic acid 128 with asparagine.
Molecular consequence: missense variant.
Genome position (GRCh38, 1-based): chr11:124,924,773, C>T on the plus strand (G>A on the coding strand, the complement: HEPACAM is on the minus strand). VCF-style: chr11-124924773-C-T. GRCh37 (hg19) VCF-style: chr11-124794669-C-T.
Other names: short protein forms D128N.
Identifiers: ClinVar variation 1218905 (VCV001218905.12), dbSNP rs1947184803, ClinGen allele CA383142841.
Genomic context (GRCh38, chr11:124,924,773, plus strand): 5'-GCCAGAGCGCTTTACCATCTACAGTAAGGTTGATGGTCTTCTCCCCAGTGAAGGTGTCGT[C>T]GGTGATGGAGATCTCGACCTCATAGGTGCCCTCATCGGCCAGCTGCAGGTCGCTGAGAAG-3'
Protein context (NP_689935.2, residues 118-138): GTYEVEISIT[Asp128Asn]DTFTGEKTIN

ClinVar aggregate classification (germline): Conflicting classifications of pathogenicity. Review status: criteria provided, conflicting classifications (1 of 4 stars). 4 submissions from 4 submitters: Pathogenic (3); Uncertain significance (1). Last evaluated 2025-10-08.

Conditions:
Megalencephalic leukoencephalopathy with subcortical cysts 2A. Identifiers: Orphanet 2478, MedGen C3151355, MONDO:0013490, OMIM 613925.
Megalencephalic leukoencephalopathy with subcortical cysts 2B, remitting, with or without impaired intellectual development. Also called: Megalencephalic leukoencephalopathy with subcortical cysts 2B, remitting, with or without intellectual disability. Identifiers: Orphanet 2478, MedGen C3151356, MONDO:0013491, OMIM 613926.

Allele frequency attached by ClinVar (database versions not stated): gnomAD exomes below 0.00001.
gnomAD v4.1: 1 of 1,614,102 alleles (0.000062%); highest among the groups gnomAD compares: Non-Finnish European, 0.000085%; no homozygotes.

Submissions (4):

Women's Health and Genetics/Laboratory Corporation of America, LabCorp
Classification: Pathogenic for Megalencephalic leukoencephalopathy with subcortical cysts 2B, remitting, with or without impaired intellectual development. Last evaluated: 2025-10-08. Review status: criteria provided, single submitter. Criteria: LabCorp Variant Classification Summary - May 2015. Collection method: clinical testing. Allele origin: germline.
Comment: Variant summary: HEPACAM c.382G>A (p.Asp128Asn) results in a conservative amino acid change located in the Immunoglobulin subtype domain (IPR003599) of the encoded protein sequence. Algorithms developed to predict the effect of missense changes on protein structure and function are either unavailable or do not agree on the potential impact of this missense change. The variant was absent in 251364 control chromosomes (gnomAD). c.382G>A has been observed in multiple individuals affected with Megalencephalic Leukoencephalopathy With Subcortical Cysts 2b, Remitting, With Or Without Mental Retardation (e.g., Lopez-Hernandez_2011, internal data). These data indicate that the variant is very likely to be associated with disease. Publications report experimental evidence evaluating an impact on protein function, finding that the variant impairs localization at cell-cell junctions (Arnedo_2014, Elorza-Vidal_2020). The following publications have been ascertained in the context of this evaluation (PMID: 31960914, 21419380, 25044933). ClinVar contains an entry for this variant (Variation ID: 1218905). Based on the evidence outlined above, the variant was classified as pathogenic.

Labcorp Genetics (formerly Invitae), Labcorp
Classification: Pathogenic. Last evaluated: 2023-08-23. Review status: criteria provided, single submitter. Criteria: Invitae Variant Classification Sherloc (09022015). Collection method: clinical testing. Allele origin: germline.
Comment: This sequence change replaces aspartic acid, which is acidic and polar, with asparagine, which is neutral and polar, at codon 128 of the HEPACAM protein (p.Asp128Asn). This variant is not present in population databases (gnomAD no frequency). This missense change has been observed in individuals with autosomal dominant megalencephalic leukoencephalopathy with subcortical cysts (MLC) (PMID: 21419380; Invitae). ClinVar contains an entry for this variant (Variation ID: 1218905). Advanced modeling of protein sequence and biophysical properties (such as structural, functional, and spatial information, amino acid conservation, physicochemical variation, residue mobility, and thermodynamic stability) has been performed at Invitae for this missense variant, however the output from this modeling did not meet the statistical confidence thresholds required to predict the impact of this variant on HEPACAM protein function. Experimental studies have shown that this missense change affects HEPACAM function (PMID: 25044933, 31960914). For these reasons, this variant has been classified as Pathogenic.

Molecular Diagnostics Lab, Nemours Children's Health, Delaware
Classification: Pathogenic for Megalencephalic leukoencephalopathy with subcortical cysts 2A. Last evaluated: 2021-02-11. Review status: criteria provided, single submitter. Criteria: ACMG Guidelines, 2015. Collection method: clinical testing. Allele origin: de novo. Inheritance: Autosomal recessive inheritance. Affected: yes. Observed: 1 heterozygote.
Comment: This missense variant (c.382G>A, p.Asp128Asn) has not been observed in population databases. There is no consensus as to the classification of this change based on variant prediction programs, although reported functional studies support a deleterious effect (PMID 21419380, PMID 25044933).

GeneDx
Classification: Uncertain significance. Last evaluated: 2019-08-09. Review status: criteria provided, single submitter. Criteria: GeneDx Variant Classification Process June 2021. Collection method: clinical testing. Allele origin: germline. Affected: yes.
Comment: Not observed in large population cohorts (Lek et al., 2016); Occurs within the immunoglobulin-like V-type domain (Uniprot); In silico analysis, which includes protein predictors and evolutionary conservation, supports that this variant does not alter protein structure/function; This variant is associated with the following publications: (PMID: 31960914, 21419380, 25044933)

Literature cited by the submitters: PubMed 31960914 (cited by Women's Health and Genetics/Laboratory Corporation of America, LabCorp and Labcorp Genetics (formerly Invitae), Labcorp); PubMed 21419380 (cited by 3 submitters); PubMed 25044933 (cited by 3 submitters).